The following is an entry in ClinVar:

NM_000051.4(ATM):c.7013T>A (p.Leu2338Gln)

Genes: ATM (ATM serine/threonine kinase; plus strand), C11orf65 (chromosome 11 open reading frame 65; minus strand). Cytogenetic location: 11q22.3.
Variant type: single nucleotide variant.
Coding change: c.7013T>A on transcript NM_000051.4 (MANE Select); coding-DNA position 7013, T replaced by A.
Protein change: p.Leu2338Gln; replaces leucine 2338 with glutamine.
Molecular consequence: missense variant. On other transcripts: intron variant (2).
Genome position (GRCh38, 1-based): chr11:108,327,682, T>A. VCF-style: chr11-108327682-T-A. GRCh37 (hg19) VCF-style: chr11-108198409-T-A.
Other names: c.7013T>A, p.Leu2338Gln (NM_001351834.2); c.641-18611A>T (NM_001330368.2); c.*38+7538A>T (NM_001351110.2); short protein forms L2338Q.
Identifiers: ClinVar variation 1756693 (VCV001756693.2), dbSNP rs1555120997, ClinGen allele CA382558726.

ClinVar aggregate classification (germline): Uncertain significance (1 of 4 stars; one submission).

Conditions:
Hereditary cancer-predisposing syndrome. Also called: Hereditary neoplastic syndrome; Neoplastic Syndromes, Hereditary; Tumor predisposition; Hereditary Cancer Syndrome. Identifiers: Orphanet 140162, MedGen C0027672, MeSH D009386, MONDO:0015356.

gnomAD v4.1: 1 of 1,614,034 alleles (0.000062%); highest among the groups gnomAD compares: Non-Finnish European, 0.000085%; no homozygotes.

Submission:

Ambry Genetics
Classification: Uncertain significance for Hereditary cancer-predisposing syndrome. Last evaluated: 2021-01-21. Review status: criteria provided, single submitter. Criteria: Ambry Variant Classification Scheme 2023. Collection method: clinical testing. Allele origin: germline.
Comment: The p.L2338Q variant (also known as c.7013T>A), located in coding exon 47 of the ATM gene, results from a T to A substitution at nucleotide position 7013. The leucine at codon 2338 is replaced by glutamine, an amino acid with dissimilar properties. This amino acid position is highly conserved in available vertebrate species. In addition, this alteration is predicted to be deleterious by in silico analysis. Since supporting evidence is limited at this time, the clinical significance of this alteration remains unclear.